The following is an entry in ClinVar:

ClinVar aggregate classification (germline): Uncertain significance (1 of 4 stars; one submission).

Conditions:
Erythrocytosis, familial, 3 (ECYT3). Identifiers: Orphanet 247511, MedGen C1853286, MONDO:0012353, OMIM 609820.

Submission:

Labcorp Genetics (formerly Invitae), Labcorp
Classification: Uncertain significance for Erythrocytosis, familial, 3. Last evaluated: 2021-11-06. Review status: criteria provided, single submitter. Criteria: Invitae Variant Classification Sherloc (09022015). Collection method: clinical testing. Allele origin: germline.
Comment: In summary, the available evidence is currently insufficient to determine the role of this variant in disease. Therefore, it has been classified as a Variant of Uncertain Significance. This variant has not been reported in the literature in individuals affected with EGLN1-related conditions. This variant is not present in population databases (gnomAD no frequency). This sequence change disrupts the translational stop signal of the EGLN1 mRNA. It is expected to extend the length of the EGLN1 protein by 3 additional amino acid residues.

NM_022051.3(EGLN1):c.1279T>C (p.Ter427Gln)

Gene: EGLN1 (egl-9 family hypoxia inducible factor 1; minus strand). Cytogenetic location: 1q42.2.
Variant type: single nucleotide variant.
Coding change: c.1279T>C on transcript NM_022051.3 (MANE Select); coding-DNA position 1279, T replaced by C.
Protein change: p.Ter427Gln.
Molecular consequence: stop lost. On other transcripts: 3 prime UTR variant (2).
Genome position (GRCh38, 1-based): chr1:231,366,413, A>G on the plus strand (T>C on the coding strand, the complement: EGLN1 is on the minus strand). VCF-style: chr1-231366413-A-G. GRCh37 (hg19) VCF-style: chr1-231502159-A-G.
Other names: c.*59T>C (NM_001377260.1); c.*104T>C (NM_001377261.1).
Identifiers: ClinVar variation 1468387 (VCV001468387.6), dbSNP rs767020788, ClinGen allele CA345238169.